The following is an entry in ClinVar:

ClinVar aggregate classification (germline): Likely benign. Review status: criteria provided, multiple submitters, no conflicts (2 of 4 stars). 7 submissions from 7 submitters: Likely benign (5). 2 of the submissions do not count toward it. Last evaluated 2026-01-02.

Conditions:
PRDM16-related disorder. Also called: PRDM16-related condition.
Left ventricular noncompaction 8 (LVNC8). Identifiers: Orphanet 154, Orphanet 54260, MedGen C3809288, MONDO:0014152, OMIM 615373.
Primary dilated cardiomyopathy (DCM). Also called: Dilated Cardiomyopathy. Identifiers: Orphanet 217604, MedGen C0007193, MeSH D002311, MONDO:0005021, HP:0001644. Inheritance: Various modes of inheritance.

Allele frequency attached by ClinVar (database versions not stated): gnomAD exomes 0.00014 and 0.00013; ExAC 0.00017; ESP Exome Variant Server 0.00041; TOPMed 0.00059; gnomAD 0.00072 and 0.00073; 1000 Genomes Project 30x 0.00078; 1000 Genomes Project 0.00100.
gnomAD v4.1: 348 of 1,613,868 alleles (0.022%); highest among the groups gnomAD compares: African/African-American, 0.27%; 4 homozygotes.

Submissions (7):

Labcorp Genetics (formerly Invitae), Labcorp
Classification: Likely benign for Left ventricular noncompaction 8. Last evaluated: 2026-01-02. Review status: criteria provided, single submitter. Criteria: Invitae Variant Classification Sherloc (09022015). Collection method: clinical testing. Allele origin: germline.

ARUP Laboratories, Molecular Genetics and Genomics, ARUP Laboratories
Classification: Likely benign. Last evaluated: 2025-03-25. Review status: criteria provided, single submitter. Criteria: ARUP Molecular Germline Variant Investigation Process 2024. Collection method: clinical testing. Allele origin: germline.

PreventionGenetics, part of Exact Sciences
Classification: Likely benign for PRDM16-related condition. Last evaluated: 2024-10-04. Review status: criteria provided, single submitter. Criteria: ACMG Guidelines, 2015. Collection method: clinical testing. Allele origin: germline.
Comment: This variant is classified as likely benign based on ACMG/AMP sequence variant interpretation guidelines (Richards et al. 2015 PMID: 25741868, with internal and published modifications).

GeneDx
Classification: Likely benign. Last evaluated: 2021-05-03. Review status: criteria provided, single submitter. Criteria: GeneDx Variant Classification Process June 2021. Collection method: clinical testing. Allele origin: germline. Affected: yes.

Genetics and Genomics Program, Sidra Medicine
Classification: Likely benign for Primary dilated cardiomyopathy. Review status: criteria provided, single submitter. Criteria: ACMG Guidelines, 2015. Collection method: research. Allele origin: unknown. Affected: yes. Observed: 1 variant allele.

Clinical Genetics, Academic Medical Center
Classification: Likely benign. Review status: no assertion criteria provided. Collection method: clinical testing. Allele origin: germline. Affected: yes. Study: VKGL Data-share Consensus. Not counted in ClinVar's aggregate classification.

Diagnostic Laboratory, Department of Genetics, University Medical Center Groningen
Classification: Likely benign. Review status: no assertion criteria provided. Collection method: clinical testing. Allele origin: germline. Affected: yes. Study: VKGL Data-share Consensus. Not counted in ClinVar's aggregate classification.

NM_022114.4(PRDM16):c.3154G>A (p.Ala1052Thr)

Gene: PRDM16 (PR/SET domain 16; plus strand). Cytogenetic location: 1p36.32.
Variant type: single nucleotide variant.
Coding change: c.3154G>A on transcript NM_022114.4 (MANE Select); coding-DNA position 3154, G replaced by A.
Protein change: p.Ala1052Thr; replaces alanine 1052 with threonine.
Molecular consequence: missense variant.
Genome position (GRCh38, 1-based): chr1:3,426,095, G>A. VCF-style: chr1-3426095-G-A. GRCh37 (hg19) VCF-style: chr1-3342659-G-A.
Other names: c.3154G>A, p.Ala1052Thr (NM_199454.3); short protein forms A1052T.
Identifiers: ClinVar variation 507781 (VCV000507781.22), dbSNP rs113879347, ClinGen allele CA544756.